The following is an entry in ClinVar:

ClinVar aggregate classification (germline): Uncertain significance (1 of 4 stars; one submission).

Conditions:
Charcot-Marie-Tooth disease type 2. Also called: Charcot-Marie-Tooth type 2. Identifiers: Orphanet 64746, MedGen C0270914, MONDO:0018993.

Allele frequency attached by ClinVar (database versions not stated): gnomAD 0.00001; TOPMed 0.00002; gnomAD exomes 0.00001.
gnomAD v4.1: 13 of 1,612,878 alleles (0.00081%); highest among the groups gnomAD compares: South Asian, 0.0044%; no homozygotes.

Submission:

Labcorp Genetics (formerly Invitae), Labcorp
Classification: Uncertain significance for Charcot-Marie-Tooth disease type 2. Last evaluated: 2024-03-04. Review status: criteria provided, single submitter. Criteria: Invitae Variant Classification Sherloc (09022015). Collection method: clinical testing. Allele origin: germline.
Comment: This sequence change replaces arginine, which is basic and polar, with glutamine, which is neutral and polar, at codon 121 of the GARS protein (p.Arg121Gln). The frequency data for this variant in the population databases is considered unreliable, as metrics indicate poor data quality at this position in the gnomAD database. This variant has not been reported in the literature in individuals affected with GARS-related conditions. ClinVar contains an entry for this variant (Variation ID: 1680892). Advanced modeling of protein sequence and biophysical properties (such as structural, functional, and spatial information, amino acid conservation, physicochemical variation, residue mobility, and thermodynamic stability) performed at Invitae indicates that this missense variant is not expected to disrupt GARS protein function with a negative predictive value of 95%. In summary, the available evidence is currently insufficient to determine the role of this variant in disease. Therefore, it has been classified as a Variant of Uncertain Significance.

NM_002047.4(GARS1):c.362G>A (p.Arg121Gln)

Gene: GARS1 (glycyl-tRNA synthetase 1; plus strand). Cytogenetic location: 7p14.3.
Variant type: single nucleotide variant.
Coding change: c.362G>A on transcript NM_002047.4 (MANE Select); coding-DNA position 362, G replaced by A.
Protein change: p.Arg121Gln; replaces arginine 121 with glutamine.
Molecular consequence: missense variant.
Genome position (GRCh38, 1-based): chr7:30,599,984, G>A. VCF-style: chr7-30599984-G-A. GRCh37 (hg19) VCF-style: chr7-30639600-G-A.
Other names: c.200G>A, p.Arg67Gln (NM_001316772.1); short protein forms R121Q, R67Q.
Identifiers: ClinVar variation 1680892 (VCV001680892.8), dbSNP rs1363263798, ClinGen allele CA367139153.